The following is an entry in ClinVar:

ClinVar aggregate classification (germline): Uncertain significance. Review status: criteria provided, multiple submitters, no conflicts (2 of 4 stars). 9 submissions from 9 submitters: Uncertain significance (8). 1 of the submissions does not count toward it. Last evaluated 2025-03-30.

Conditions:
CYP27A1-related disorder. Also called: CYP27A1-related condition.
Cholestanol storage disease (CTX). Also called: CEREBRAL CHOLESTERINOSIS; Cerebrotendinous Xanthomatosis; CTX: Cerebrotendinous xanthomatosis. Identifiers: Orphanet 909, MedGen C0238052, MONDO:0008948, OMIM 213700.

Allele frequency attached by ClinVar (database versions not stated): ESP Exome Variant Server 0.00008; TOPMed 0.00014; gnomAD 0.00016.
gnomAD v4.1: 74 of 1,606,418 alleles (0.0046%); highest among the groups gnomAD compares: East Asian, 0.036%; no homozygotes.

Submissions (10):

PreventionGenetics, part of Exact Sciences
Classification: Uncertain significance for CYP27A1-related condition. Last evaluated: 2025-03-30. Review status: criteria provided, single submitter. Criteria: ACMG Guidelines, 2015. Collection method: clinical testing. Allele origin: germline.
Comment: The CYP27A1 c.1017+5G>A variant is predicted to interfere with splicing. To our knowledge, this variant has not been reported in the literature. This variant is reported in 0.060% of alleles in individuals of East Asian descent in gnomAD. which may be too common to be a primary cause of disease. At this time, the clinical significance of this variant is uncertain due to the absence of conclusive functional and genetic evidence.

Women's Health and Genetics/Laboratory Corporation of America, LabCorp
Classification: Uncertain significance. Last evaluated: 2024-12-14. Review status: criteria provided, single submitter. Criteria: LabCorp Variant Classification Summary - May 2015. Collection method: clinical testing. Allele origin: germline.

Blueprint Genetics
Classification: Uncertain significance. Last evaluated: 2024-09-25. Review status: criteria provided, single submitter. Criteria: ACMG Guidelines, 2015. Collection method: clinical testing. Allele origin: germline.

Labcorp Genetics (formerly Invitae), Labcorp
Classification: Uncertain significance for Cholestanol storage disease. Last evaluated: 2022-10-24. Review status: criteria provided, single submitter. Criteria: Invitae Variant Classification Sherloc (09022015). Collection method: clinical testing. Allele origin: germline.
Comment: This sequence change falls in intron 5 of the CYP27A1 gene. It does not directly change the encoded amino acid sequence of the CYP27A1 protein. It affects a nucleotide within the consensus splice site. This variant is present in population databases (rs370304209, gnomAD 0.06%). This variant has not been reported in the literature in individuals affected with CYP27A1-related conditions. ClinVar contains an entry for this variant (Variation ID: 501158). Variants that disrupt the consensus splice site are a relatively common cause of aberrant splicing (PMID: 17576681, 9536098). Algorithms developed to predict the effect of sequence changes on RNA splicing suggest that this variant may create or strengthen a splice site. In summary, the available evidence is currently insufficient to determine the role of this variant in disease. Therefore, it has been classified as a Variant of Uncertain Significance.

Athena Diagnostics
Classification: Uncertain significance. Last evaluated: 2018-03-02. Review status: criteria provided, single submitter. Criteria: Athena Diagnostics Criteria. Collection method: clinical testing. Allele origin: germline.

Illumina Laboratory Services, Illumina
Classification: Uncertain significance for Cholestanol storage disease. Last evaluated: 2018-01-13. Review status: criteria provided, single submitter. Criteria: ICSL Variant Classification Criteria 13 December 2019. Collection method: clinical testing. Allele origin: germline.

Eurofins Ntd Llc (ga)
Classification: Uncertain significance. Last evaluated: 2017-10-25. Review status: criteria provided, single submitter. Criteria: EGL Classification Definitions 2015. Collection method: clinical testing. Allele origin: germline. Observed: 3 variant alleles, 3 heterozygotes.

Breakthrough Genomics
Classification: Uncertain significance. Review status: criteria provided, single submitter. Criteria: ACMG Guidelines, 2015. Collection method: not provided. Allele origin: germline. Inheritance: Autosomal recessive inheritance. Affected: yes.

Natera, Inc.
Classification: Uncertain significance for Cerebrotendinous xanthomatosis. Last evaluated: 2020-01-17. Review status: no assertion criteria provided. Collection method: clinical testing. Allele origin: germline. Not counted in ClinVar's aggregate classification.

Dr. Peter K. Rogan Lab, Western University
No classification provided (evidence only). Condition: Malignant tumor of esophagus. Review status: no classification provided. Collection method: in vitro. Allele origin: not applicable. Functional consequence: retained intron. Not counted in ClinVar's aggregate classification.

Literature cited by the submitters: PubMed 17576681 (cited by Labcorp Genetics (formerly Invitae), Labcorp); PubMed 9536098 (cited by Labcorp Genetics (formerly Invitae), Labcorp).

NM_000784.4(CYP27A1):c.1017+5G>A

Gene: CYP27A1 (cytochrome P450 family 27 subfamily A member 1; plus strand). Cytogenetic location: 2q35.
Variant type: single nucleotide variant.
Coding change: c.1017+5G>A on transcript NM_000784.4 (MANE Select); 5 bases into the intron after coding-DNA position 1017, G replaced by A.
Molecular consequence: intron variant.
Genome position (GRCh38, 1-based): chr2:218,813,101, G>A. VCF-style: chr2-218813101-G-A. GRCh37 (hg19) VCF-style: chr2-219677824-G-A.
Identifiers: ClinVar variation 501158 (VCV000501158.18), dbSNP rs370304209, ClinGen allele CA2112772.